The following is an entry in ClinVar:

ClinVar aggregate classification (germline): Uncertain significance (1 of 4 stars; one submission).

Submission:

GeneDx
Classification: Uncertain significance. Last evaluated: 2022-12-06. Review status: criteria provided, single submitter. Criteria: GeneDx Variant Classification Process June 2021. Collection method: clinical testing. Allele origin: germline. Affected: yes.
Comment: Not observed at significant frequency in large population cohorts (gnomAD); In silico analysis supports that this missense variant has a deleterious effect on protein structure/function; Has not been previously published as pathogenic or benign to our knowledge; Variants in candidate genes are classified as variants of uncertain significance in accordance with ACMG guidelines (Richards et al., 2015)

NM_003400.4(XPO1):c.1996G>T (p.Asp666Tyr)

Gene: XPO1 (exportin 1; minus strand). Cytogenetic location: 2p15.
Variant type: single nucleotide variant.
Coding change: c.1996G>T on transcript NM_003400.4 (MANE Select); coding-DNA position 1996, G replaced by T.
Protein change: p.Asp666Tyr; replaces aspartic acid 666 with tyrosine.
Molecular consequence: missense variant. On other transcripts: intron variant (1).
Genome position (GRCh38, 1-based): chr2:61,490,668, C>A on the plus strand (G>T on the coding strand, the complement: XPO1 is on the minus strand). VCF-style: chr2-61490668-C-A. GRCh37 (hg19) VCF-style: chr2-61717803-C-A.
Other names: c.1887+1367G>T (NM_001410799.1); short protein forms D666Y.
Identifiers: ClinVar variation 4076620 (VCV004076620.1).
Genomic context (GRCh38, chr2:61,490,668, plus strand): 5'-ATGAAAACTTTTAAGAAAAGGTAGAAATACTTACTTTGGTTGCCTGCTGGATTATACTAT[C>A]CCACACTTGATTAGGGAGTAACATGTACTTTTCTATCAAGTGTTCTTGTACTGTTTGATC-3'
Protein context (NP_003391.1, residues 656-676): KYMLLPNQVW[Asp666Tyr]SIIQQATKNV